The following is an entry in ClinVar:

NM_001253697.2(ERBIN):c.2219G>A (p.Arg740Gln)

Gene: ERBIN (erbb2 interacting protein; plus strand). Cytogenetic location: 5q12.3.
Variant type: single nucleotide variant.
Coding change: c.2219G>A on transcript NM_001253697.2 (MANE Select); coding-DNA position 2219, G replaced by A.
Protein change: p.Arg740Gln; replaces arginine 740 with glutamine.
Molecular consequence: missense variant.
Genome position (GRCh38, 1-based): chr5:66,053,537, G>A. VCF-style: chr5-66053537-G-A. GRCh37 (hg19) VCF-style: chr5-65349365-G-A.
Other names: c.2219G>A, p.Arg740Gln (NM_001006600.3, NM_001253698.2, NM_001253699.2 and 1 more transcripts); c.2207G>A, p.Arg736Gln (NM_001253701.2); short protein forms R740Q, R736Q.
Identifiers: ClinVar variation 1412604 (VCV001412604.6), dbSNP rs374901776, ClinGen allele CA119867370.

ClinVar aggregate classification (germline): Uncertain significance (1 of 4 stars; one submission).

Allele frequency attached by ClinVar (database versions not stated): gnomAD 0.00001.
gnomAD v4.1: 5 of 1,611,546 alleles (0.00031%); highest among the groups gnomAD compares: South Asian, 0.0011%; no homozygotes.

Submission:

Labcorp Genetics (formerly Invitae), Labcorp
Classification: Uncertain significance. Last evaluated: 2024-08-29. Review status: criteria provided, single submitter. Criteria: Invitae Variant Classification Sherloc (09022015). Collection method: clinical testing. Allele origin: germline.
Comment: This sequence change replaces arginine, which is basic and polar, with glutamine, which is neutral and polar, at codon 740 of the ERBIN protein (p.Arg740Gln). This variant is not present in population databases (gnomAD no frequency). This variant has not been reported in the literature in individuals affected with ERBIN-related conditions. ClinVar contains an entry for this variant (Variation ID: 1412604). An algorithm developed to predict the effect of missense changes on protein structure and function outputs the following: PolyPhen-2: "Benign". The glutamine amino acid residue is found in multiple mammalian species, which suggests that this missense change does not adversely affect protein function. In summary, the available evidence is currently insufficient to determine the role of this variant in disease. Therefore, it has been classified as a Variant of Uncertain Significance.